The following is an entry in ClinVar:

ClinVar aggregate classification (germline): Uncertain significance (0 of 4 stars; one submission).

Conditions:
TRIM32-related disorder. Also called: TRIM32-related condition.

Allele frequency attached by ClinVar (database versions not stated): TOPMed below 0.00001; gnomAD 0.00001.
gnomAD v4.1: 10 of 1,613,924 alleles (0.00062%); highest among the groups gnomAD compares: Non-Finnish European, 0.00076%; no homozygotes.

Submission:

PreventionGenetics, part of Exact Sciences
Classification: Uncertain significance for TRIM32-related condition. Last evaluated: 2023-11-27. Review status: no assertion criteria provided. Collection method: clinical testing. Allele origin: germline.
Comment: The TRIM32 c.647C>G variant is predicted to result in the amino acid substitution p.Ser216Cys. To our knowledge, this variant has not been reported in the literature. This variant is reported in 0.00088% of alleles in individuals of European (Non-Finnish) descent in gnomAD. At this time, the clinical significance of this variant is uncertain due to the absence of conclusive functional and genetic evidence.

NM_012210.4(TRIM32):c.647C>G (p.Ser216Cys)

Genes: ASTN2 (astrotactin 2; minus strand), TRIM32 (tripartite motif containing 32; plus strand). Cytogenetic location: 9q33.1.
Variant type: single nucleotide variant.
Coding change: c.647C>G on transcript NM_012210.4 (MANE Select); coding-DNA position 647, C replaced by G.
Protein change: p.Ser216Cys; replaces serine 216 with cysteine.
Molecular consequence: missense variant. On other transcripts: intron variant (3).
Genome position (GRCh38, 1-based): chr9:116,698,389, C>G. VCF-style: chr9-116698389-C-G. GRCh37 (hg19) VCF-style: chr9-119460668-C-G.
Other names: c.647C>G, p.Ser216Cys (NM_001099679.2, NM_001379048.1, NM_001379049.1 and 1 more transcripts); c.2653+27382G>C (NM_014010.5); c.2794+27382G>C (NM_001365069.1); c.2806+27382G>C (NM_001365068.1); short protein forms S216C.
Identifiers: ClinVar variation 3030784 (VCV003030784.2), dbSNP rs1425805931, ClinGen allele CA374649288.